The following is an entry in ClinVar:

NM_031407.7(HUWE1):c.8974C>T (p.Arg2992Cys)

Gene: HUWE1 (HECT, UBA and WWE domain containing E3 ubiquitin protein ligase 1; minus strand). Cytogenetic location: Xp11.22.
Variant type: single nucleotide variant.
Coding change: c.8974C>T on transcript NM_031407.7 (MANE Select); coding-DNA position 8974, C replaced by T.
Protein change: p.Arg2992Cys; replaces arginine 2992 with cysteine.
Molecular consequence: missense variant.
Genome position (GRCh38, 1-based): chrX:53,551,388, G>A on the plus strand (C>T on the coding strand, the complement: HUWE1 is on the minus strand). VCF-style: chrX-53551388-G-A. GRCh37 (hg19) VCF-style: chrX-53578349-G-A.
Other names: c.8971C>T, p.Arg2991Cys (NM_001441048.1, NM_001441051.1, NM_001441053.1 and 2 more transcripts); c.8974C>T, p.Arg2992Cys (NM_001441049.1, NM_001441054.1, NM_001441057.1); c.8995C>T, p.Arg2999Cys (NM_001441050.1, NM_001441055.1); c.8572C>T, p.Arg2858Cys (NM_001441052.1); short protein forms R2992C, R2858C, R2991C, R2999C.
Identifiers: ClinVar variation 4765988 (VCV004765988.1).
Genomic context (GRCh38, chrX:53,551,388, plus strand): 5'-GATTCCCCACCACTGCAGGCGCTGAGCTATTTGTGGAGGGGGCAGTCCGGGTTGGTGGAC[G>A]AATGCCTAGCTGGTTCTGTAGAACTTCCCGACGGATGTCATCAGGCAGGGCAGCCAGAAA-3'
Protein context (NP_113584.3, residues 2982-3002): REVLQNQLGI[Arg2992Cys]PPTRTAPSTN

ClinVar aggregate classification (germline): Uncertain significance (1 of 4 stars; one submission).

gnomAD v4.1: 2 of 1,209,558 alleles (0.00017%); highest among the groups gnomAD compares: Non-Finnish European, 0.00022%; no homozygotes.

Submission:

Labcorp Genetics (formerly Invitae), Labcorp
Classification: Uncertain significance. Last evaluated: 2025-12-28. Review status: criteria provided, single submitter. Criteria: Invitae Variant Classification Sherloc (09022015). Collection method: clinical testing. Allele origin: germline.
Comment: This sequence change replaces arginine, which is basic and polar, with cysteine, which is neutral and slightly polar, at codon 2992 of the HUWE1 protein (p.Arg2992Cys). This variant is not present in population databases (gnomAD no frequency). This variant has not been reported in the literature in individuals affected with HUWE1-related conditions. Invitae Evidence Modeling of protein sequence and biophysical properties (such as structural, functional, and spatial information, amino acid conservation, physicochemical variation, residue mobility, and thermodynamic stability) indicates that this missense variant is expected to disrupt HUWE1 protein function with a positive predictive value of 95%. In summary, the available evidence is currently insufficient to determine the role of this variant in disease. Therefore, it has been classified as a Variant of Uncertain Significance.